The following is an entry in ClinVar:

NM_001164508.2(NEB):c.17304G>A (p.Leu5768=)

Gene: NEB (nebulin; minus strand). Cytogenetic location: 2q23.3.
Variant type: single nucleotide variant.
Coding change: c.17304G>A on transcript NM_001164508.2 (MANE Select); coding-DNA position 17304, G replaced by A.
Protein change: p.Leu5768=; no amino-acid change (leucine 5768 retained).
Molecular consequence: synonymous variant.
Genome position (GRCh38, 1-based): chr2:151,570,207, C>T on the plus strand (G>A on the coding strand, the complement: NEB is on the minus strand). VCF-style: chr2-151570207-C-T. GRCh37 (hg19) VCF-style: chr2-152426721-C-T.
Other names: c.17304G>A, p.Leu5768= (NM_001164507.2, NM_001271208.2); c.12201G>A, p.Leu4067= (NM_004543.5).
Identifiers: ClinVar variation 386400 (VCV000386400.31), dbSNP rs35273905, ClinGen allele CA1908247.

ClinVar aggregate classification (germline): Benign/Likely benign. Review status: criteria provided, multiple submitters, no conflicts (2 of 4 stars). 7 submissions from 7 submitters: Benign (3); Likely benign (2). 2 of the submissions do not count toward it. Last evaluated 2026-01-27.

Conditions:
Nemaline myopathy 2 (NEM2). Also called: Nemaline myopathy 2, autosomal recessive. Identifiers: MedGen C1850569, MONDO:0009725, OMIM 256030.
NEB-related disorder. Also called: NEB-Related Disorders; NEB-related condition.

Allele frequency attached by ClinVar (database versions not stated): gnomAD exomes 0.00047 and 0.00123; ExAC 0.00174; ESP Exome Variant Server 0.00430; gnomAD 0.00493 and 0.00526; TOPMed 0.00568; 1000 Genomes Project 0.00639; 1000 Genomes Project 30x 0.00640.
gnomAD v4.1: 1,454 of 1,613,746 alleles (0.09%); highest among the groups gnomAD compares: African/African-American, 1.7%; 9 homozygotes.

Submissions (7):

Labcorp Genetics (formerly Invitae), Labcorp
Classification: Benign for Nemaline myopathy 2. Last evaluated: 2026-01-27. Review status: criteria provided, single submitter. Criteria: Invitae Variant Classification Sherloc (09022015). Collection method: clinical testing. Allele origin: germline.

Blueprint Genetics
Classification: Likely benign. Last evaluated: 2024-10-24. Review status: criteria provided, single submitter. Criteria: ACMG Guidelines, 2015. Collection method: clinical testing. Allele origin: germline.

Women's Health and Genetics/Laboratory Corporation of America, LabCorp
Classification: Likely benign. Last evaluated: 2023-03-19. Review status: criteria provided, single submitter. Criteria: LabCorp Variant Classification Summary - May 2015. Collection method: clinical testing. Allele origin: germline.

GeneDx
Classification: Benign. Last evaluated: 2019-11-05. Review status: criteria provided, single submitter. Criteria: GeneDx Variant Classification Process June 2021. Collection method: clinical testing. Allele origin: germline. Affected: yes.

Breakthrough Genomics
Classification: Benign. Review status: criteria provided, single submitter. Criteria: ACMG Guidelines, 2015. Collection method: not provided. Allele origin: germline. Inheritance: Autosomal recessive inheritance. Affected: yes.

Natera, Inc.
Classification: Benign for Nemaline myopathy type 2. Last evaluated: 2019-12-05. Review status: no assertion criteria provided. Collection method: clinical testing. Allele origin: germline. Not counted in ClinVar's aggregate classification.

PreventionGenetics, part of Exact Sciences
Classification: Benign for NEB-related condition. Last evaluated: 2019-03-29. Review status: no assertion criteria provided. Collection method: clinical testing. Allele origin: germline. Not counted in ClinVar's aggregate classification.
Comment: This variant is classified as benign based on ACMG/AMP sequence variant interpretation guidelines (Richards et al. 2015 PMID: 25741868, with internal and published modifications).